The following is an entry in ClinVar:

NM_000046.5(ARSB):c.410G>A (p.Gly137Asp)

Gene: ARSB (arylsulfatase B; minus strand). Cytogenetic location: 5q14.1.
Variant type: single nucleotide variant.
Coding change: c.410G>A on transcript NM_000046.5 (MANE Select); coding-DNA position 410, G replaced by A.
Protein change: p.Gly137Asp; replaces glycine 137 with aspartic acid.
Molecular consequence: missense variant.
Genome position (GRCh38, 1-based): chr5:78,969,095, C>T on the plus strand (G>A on the coding strand, the complement: ARSB is on the minus strand). VCF-style: chr5-78969095-C-T. GRCh37 (hg19) VCF-style: chr5-78264918-C-T.
Other names: c.410G>A, p.Gly137Asp (NM_198709.3); c.410G>A (NM_000046.3); short protein forms G137D.
Identifiers: ClinVar variation 2080724 (VCV002080724.2), dbSNP rs118203938, ClinGen allele CA3318273.

ClinVar aggregate classification (germline): Uncertain significance. Review status: criteria provided, multiple submitters, no conflicts (2 of 4 stars). 2 submissions from 2 submitters: Uncertain significance (2). Last evaluated 2024-01-19.

Conditions:
Mucopolysaccharidosis type 6 (MPS6). Also called: ARSB DEFICIENCY; ARYLSULFATASE B DEFICIENCY; MPS 6; Maroteaux Lamy syndrome; MPS VI; N-ACETYLGALACTOSAMINE-4-SULFATASE DEFICIENCY. Identifiers: Orphanet 583, MedGen C0026709, MONDO:0009661, OMIM 253200.
Inborn genetic diseases. Identifiers: MedGen C0950123, MeSH D030342.

Allele frequency attached by ClinVar (database versions not stated): ExAC 0.00003; TOPMed 0.00003.
gnomAD v4.1: 15 of 1,614,158 alleles (0.00093%); highest among the groups gnomAD compares: Admixed American, 0.025%; no homozygotes.

Submissions (2):

Ambry Genetics
Classification: Uncertain significance for Inborn genetic diseases. Last evaluated: 2024-01-19. Review status: criteria provided, single submitter. Criteria: Ambry Variant Classification Scheme 2023. Collection method: clinical testing. Allele origin: germline.

Labcorp Genetics (formerly Invitae), Labcorp
Classification: Uncertain significance for Mucopolysaccharidosis type 6. Last evaluated: 2022-08-10. Review status: criteria provided, single submitter. Criteria: Invitae Variant Classification Sherloc (09022015). Collection method: clinical testing. Allele origin: germline.
Comment: This sequence change replaces glycine, which is neutral and non-polar, with aspartic acid, which is acidic and polar, at codon 137 of the ARSB protein (p.Gly137Asp). This variant is present in population databases (rs118203938, gnomAD 0.04%). This variant has not been reported in the literature in individuals affected with ARSB-related conditions. Advanced modeling of protein sequence and biophysical properties (such as structural, functional, and spatial information, amino acid conservation, physicochemical variation, residue mobility, and thermodynamic stability) performed at Invitae indicates that this missense variant is expected to disrupt ARSB protein function. In summary, the available evidence is currently insufficient to determine the role of this variant in disease. Therefore, it has been classified as a Variant of Uncertain Significance.